The following is an entry in ClinVar:

ClinVar aggregate classification (germline): Uncertain significance (1 of 4 stars; one submission).

Conditions:
Arginase deficiency. Also called: Arginase 1 Deficiency; ARGININEMIA; ARG1 DEFICIENCY. Identifiers: Orphanet 90, MedGen C0268548, MONDO:0008814, OMIM 207800.

Submission:

Labcorp Genetics (formerly Invitae), Labcorp
Classification: Uncertain significance for Arginase deficiency. Last evaluated: 2022-07-06. Review status: criteria provided, single submitter. Criteria: Invitae Variant Classification Sherloc (09022015). Collection method: clinical testing. Allele origin: germline.
Comment: This sequence change falls in intron 6 of the ARG1 gene. It does not directly change the encoded amino acid sequence of the ARG1 protein. This variant is present in population databases (rs772208283, gnomAD 0.006%). This variant has not been reported in the literature in individuals affected with ARG1-related conditions. Algorithms developed to predict the effect of sequence changes on RNA splicing suggest that this variant may disrupt the consensus splice site. In summary, the available evidence is currently insufficient to determine the role of this variant in disease. Therefore, it has been classified as a Variant of Uncertain Significance.

NM_000045.4(ARG1):c.666-18_666-14del

Genes: ARG1 (arginase 1; plus strand), MED23 (mediator complex subunit 23; minus strand). Cytogenetic location: 6q23.2.
Variant type: Deletion.
Coding change: c.666-18_666-14del on transcript NM_000045.4 (MANE Select); 18 bases into the intron before coding-DNA position 666 through 14 bases into the intron before coding-DNA position 666, 5 bases deleted (TTTCC; older notation c.666-18_666-14delTTTCC).
Molecular consequence: intron variant.
Genome position (GRCh38, 1-based): chr6:131,583,337-131,583,341, TTTCC deleted; deleting any 5 consecutive bases within chr6:131,583,334-131,583,341 gives the same sequence; the c. name uses the placement nearest the transcript's 3' end. VCF-style (leftmost placement, unchanged base first): chr6-131583333-ATCCTT-A. GRCh37 (hg19) VCF-style: chr6-131904473-ATCCTT-A.
Other names: c.690-18_690-14del (NM_001244438.2); c.411-18_411-14del (NM_001369020.1); c.4077+4371_4077+4375del (NM_001270521.2); c.4095+4371_4095+4375del (NM_015979.4).
Identifiers: ClinVar variation 2165451 (VCV002165451.1), dbSNP rs772208283, ClinGen allele CA3999342.